The following is an entry in ClinVar:

ClinVar aggregate classification (germline): Uncertain significance. Review status: criteria provided, multiple submitters, no conflicts (2 of 4 stars). 3 submissions from 3 submitters: Uncertain significance (3). Last evaluated 2024-02-02.

Conditions:
Catecholaminergic polymorphic ventricular tachycardia (CVPT). Also called: Catecholamine-induced polymorphic ventricular tachycardia. Identifiers: Orphanet 3286, MedGen C5574922, MONDO:0017990.
Catecholaminergic polymorphic ventricular tachycardia 1. Also called: VENTRICULAR TACHYCARDIA, STRESS-INDUCED POLYMORPHIC 1; RYR2-Related Catecholaminergic Polymorphic Ventricular Tachycardia; VENTRICULAR TACHYCARDIA, CATECHOLAMINERGIC POLYMORPHIC, 1, WITH OR WITHOUT ATRIAL DYSFUNCTION AND/OR DILATED CARDIOMYOPATHY. Identifiers: Orphanet 3286, MedGen C1631597, MONDO:0011484, OMIM 604772.

Submissions (3):

Women's Health and Genetics/Laboratory Corporation of America, LabCorp
Classification: Uncertain significance. Last evaluated: 2024-02-02. Review status: criteria provided, single submitter. Criteria: LabCorp Variant Classification Summary - May 2015. Collection method: clinical testing. Allele origin: germline.
Comment: Variant summary: RYR2 c.2512C>T (p.Arg838X) results in a premature termination codon, predicted to cause absence of the protein due to nonsense mediated decay. The predominant RYR2 mutational spectrum involves missense variants in individuals with Catecholaminergic Polymorphic Ventricular Tachycardia. Therefore, the impact of loss of function variants in RYR2 on disease is not well established. The variant was absent in 249292 control chromosomes (gnomAD). The available data on variant occurrences in the general population are insufficient to allow any conclusion about variant significance. To our knowledge, no occurrence of c.2512C>T in individuals affected with Catecholaminergic Polymorphic Ventricular Tachycardia and no experimental evidence demonstrating its impact on protein function have been reported. ClinVar contains an entry for this variant (Variation ID: 2145695). Based on the evidence outlined above, the variant was classified as uncertain significance.

All of Us Research Program, National Institutes of Health
Classification: Uncertain significance for Catecholaminergic polymorphic ventricular tachycardia. Last evaluated: 2023-10-23. Review status: criteria provided, single submitter. Criteria: ACMG Guidelines, 2015. Collection method: clinical testing. Allele origin: germline. Inheritance: Autosomal dominant inheritance. Observed: 2 variant alleles, 2 heterozygotes.
Comment: This variant changes 1 nucleotide in exon 22 of the RYR2 gene, creating a premature translation stop signal. This variant is expected to result in an absent or non-functional protein product. To our knowledge, this variant has not been reported in individuals affected with cardiovascular disorders in the literature. This variant has not been identified in the general population by the Genome Aggregation Database (gnomAD). The role of loss-of-function truncation variants in the RYR2 gene in cardiovascular disorders is not clearly understood. The available evidence is insufficient to determine the role of this variant in disease conclusively. Therefore, this variant is classified as a Variant of Uncertain Significance.

This study involves interpretation of variants in research participants for the purpose of population health screening. Participant phenotype was not available at the time of variant classification. Additional details can be found in publication PMID: 35346344, PMCID: PMC8962531

Labcorp Genetics (formerly Invitae), Labcorp
Classification: Uncertain significance for Catecholaminergic polymorphic ventricular tachycardia 1. Last evaluated: 2021-12-02. Review status: criteria provided, single submitter. Criteria: Invitae Variant Classification Sherloc (09022015). Collection method: clinical testing. Allele origin: germline.
Comment: This sequence change creates a premature translational stop signal (p.Arg838*) in the RYR2 gene. It is expected to result in an absent or disrupted protein product. However, the current clinical and genetic evidence is not sufficient to establish whether loss-of-function variants in RYR2 cause disease. This variant is not present in population databases (gnomAD no frequency). This variant has not been reported in the literature in individuals affected with RYR2-related conditions. In summary, the available evidence is currently insufficient to determine the role of this variant in disease. Therefore, it has been classified as a Variant of Uncertain Significance.

NM_001035.3(RYR2):c.2512C>T (p.Arg838Ter)

Gene: RYR2 (ryanodine receptor 2; plus strand). Cytogenetic location: 1q43.
Variant type: single nucleotide variant.
Coding change: c.2512C>T on transcript NM_001035.3 (MANE Select); coding-DNA position 2512, C replaced by T.
Protein change: p.Arg838Ter; replaces arginine 838 with a stop codon.
Molecular consequence: nonsense.
Genome position (GRCh38, 1-based): chr1:237,503,404, C>T. VCF-style: chr1-237503404-C-T. GRCh37 (hg19) VCF-style: chr1-237666704-C-T.
Other names: short protein forms R838*.
Identifiers: ClinVar variation 2145695 (VCV002145695.7), dbSNP rs1407524067, ClinGen allele CA345379249.
Genomic context (GRCh38, chr1:237,503,404, plus strand): 5'-GGGTATGCTCCTTGTTATGAAGCTGTTCTGCCAAAAGAAAAGTTGAAAGTGGAACACAGC[C>T]GAGAGTACAAGCAAGAAAGAACTTACACACGCGACCTGCTGGGCCCCACAGTTTCCCTGA-3'